The following continues an entry in ClinVar:

NM_000018.4(ACADVL):c.830AGA[1] (p.Lys278del)

Gene: ACADVL. ClinVar aggregate classification (germline): Likely pathogenic. Likely pathogenic (1).

Submissions 12 to 16 of 16:

Blueprint Genetics
Classification: Likely pathogenic for ACADVL-related disorders. Last evaluated: 2020-01-21. Review status: criteria provided, single submitter. Criteria: ACMG Guidelines, 2015. Collection method: clinical testing. Allele origin: germline. Affected: yes. Observed: 2 variant alleles. Not counted in ClinVar's aggregate classification.

Wong Mito Lab, Molecular and Human Genetics, Baylor College of Medicine
Classification: Pathogenic for Very long chain acyl-CoA dehydrogenase deficiency. Last evaluated: 2019-11-01. Review status: criteria provided, single submitter. Criteria: ACMG Guidelines, 2015. Collection method: clinical testing. Allele origin: germline. Not counted in ClinVar's aggregate classification.
Comment: The NM_000018.3:c.833_835delAGA (NP_000009.1:p.Lys278del) [GRCH38: NC_000017.11:g.7222257_7222259delAGA] variant in ACADVL gene is interpretated to be Pathogenic based on ACMG guidelines (PMID: 25741868). This variant has been reported in PMID: 9973285. This variant meets the following evidence codes reported in the ACMG guidelines: PVS1, PS3

Eurofins Ntd Llc (ga)
Classification: Uncertain significance. Last evaluated: 2016-04-07. Review status: criteria provided, single submitter. Criteria: EGL Classification Definitions 2015. Collection method: clinical testing. Allele origin: germline. Observed: 1 variant allele, 1 heterozygote. Not counted in ClinVar's aggregate classification.

Juno Genomics, Hangzhou Juno Genomics, Inc
Classification: Pathogenic for Very long chain acyl-CoA dehydrogenase deficiency. Review status: criteria provided, single submitter. Criteria: ACMG Guidelines, 2015. Collection method: clinical testing. Allele origin: germline. Affected: yes. Not counted in ClinVar's aggregate classification.
Comment: Absent from controls (or at extremely low frequency if recessive) in Genome Aggregation Database, Exome Sequencing Project, 1000 Genomes Project, or Exome Aggregation Consortium.;Protein length changes due to in-frame deletions/insertions in a non-repeat region or stop-loss variants.;For recessive disorders, detected in trans with a pathogenic variant.;Patient's phenotype or family history is highly specific for a disease with a single genetic etiology.

Kariminejad - Najmabadi Pathology & Genetics Center
Classification: Pathogenic for Very long chain acyl-CoA dehydrogenase deficiency. Review status: criteria provided, single submitter. Criteria: ACMG Guidelines, 2015. Collection method: clinical testing. Allele origin: germline. Affected: no. Not counted in ClinVar's aggregate classification.

Literature cited by the submitters: PubMed 9973285 (cited by Labcorp Genetics (formerly Invitae), Labcorp and Wong Mito Lab, Molecular and Human Genetics, Baylor College of Medicine); PubMed 19327992 (cited by 4 submitters); PubMed 23430950 (cited by Labcorp Genetics (formerly Invitae), Labcorp and Ambry Genetics); PubMed 30194637 (cited by Labcorp Genetics (formerly Invitae), Labcorp and Ambry Genetics); PubMed 10407852 (cited by Natera, Inc. and Women's Health and Genetics/Laboratory Corporation of America, LabCorp); PubMed 24305961 (cited by 3 submitters); PubMed 38390979 (cited by Natera, Inc.); PubMed 32463482 (cited by Women's Health and Genetics/Laboratory Corporation of America, LabCorp and Ambry Genetics); PubMed 26881790 (cited by Ambry Genetics).